The following is an entry in ClinVar:

ClinVar aggregate classification (germline): Uncertain significance (1 of 4 stars; one submission).

Conditions:
Familial hemophagocytic lymphohistiocytosis 2 (FHL2). Also called: PRF1-Related Familial Hemophagocytic Lymphohistiocytosis (PRF1-fHLH). Identifiers: Orphanet 540, MedGen C1863727, MONDO:0011337, OMIM 603553.

Submission:

Labcorp Genetics (formerly Invitae), Labcorp
Classification: Uncertain significance for Familial hemophagocytic lymphohistiocytosis 2. Last evaluated: 2024-12-09. Review status: criteria provided, single submitter. Criteria: Invitae Variant Classification Sherloc (09022015). Collection method: clinical testing. Allele origin: germline.
Comment: This sequence change replaces glutamine, which is neutral and polar, with histidine, which is basic and polar, at codon 499 of the PRF1 protein (p.Gln499His). This variant is not present in population databases (gnomAD no frequency). This variant has not been reported in the literature in individuals affected with PRF1-related conditions. ClinVar contains an entry for this variant (Variation ID: 1720578). Invitae Evidence Modeling of protein sequence and biophysical properties (such as structural, functional, and spatial information, amino acid conservation, physicochemical variation, residue mobility, and thermodynamic stability) indicates that this missense variant is not expected to disrupt PRF1 protein function with a negative predictive value of 95%. In summary, the available evidence is currently insufficient to determine the role of this variant in disease. Therefore, it has been classified as a Variant of Uncertain Significance.

NM_001083116.3(PRF1):c.1497G>C (p.Gln499His)

Gene: PRF1 (perforin 1; minus strand). Cytogenetic location: 10q22.1.
Variant type: single nucleotide variant.
Coding change: c.1497G>C on transcript NM_001083116.3 (MANE Select); coding-DNA position 1497, G replaced by C.
Protein change: p.Gln499His; replaces glutamine 499 with histidine.
Molecular consequence: missense variant.
Genome position (GRCh38, 1-based): chr10:70,598,224, C>G on the plus strand (G>C on the coding strand, the complement: PRF1 is on the minus strand). VCF-style: chr10-70598224-C-G. GRCh37 (hg19) VCF-style: chr10-72357980-C-G.
Other names: c.1497G>C, p.Gln499His (NM_005041.6); short protein forms Q499H.
Identifiers: ClinVar variation 1720578 (VCV001720578.5), dbSNP rs2493482118, ClinGen allele CA376955391.
Genomic context (GRCh38, chr10:70,598,224, plus strand): 5'-GAATTTTAGGTGGCCATGATTCAGGTTGCATCTCACCTCATGGGAACCAGACTTGGGAGC[C>G]TGATCACAGGTGCCAAGGAGGTCATCGTCCCTGCCAGAGTCCTGATCCCAGACCTGCAAC-3'
Protein context (NP_001076585.1, residues 489-509): RDDDLLGTCD[Gln499His]APKSGSHEVR